The following is an entry in ClinVar:

ClinVar aggregate classification (germline): Likely benign (0 of 4 stars; one submission).

Conditions:
NCOR2-related disorder. Also called: NCOR2-related condition.

Allele frequency attached by ClinVar (database versions not stated): gnomAD exomes 0.00014; ExAC 0.00032; ESP Exome Variant Server 0.00047; 1000 Genomes Project 0.00060; 1000 Genomes Project 30x 0.00062; gnomAD 0.00076; TOPMed 0.00090.
gnomAD v4.1: 323 of 1,612,208 alleles (0.02%); highest among the groups gnomAD compares: African/African-American, 0.26%; 1 homozygote.

Submission:

PreventionGenetics, part of Exact Sciences
Classification: Likely benign for NCOR2-related condition. Last evaluated: 2019-09-19. Review status: no assertion criteria provided. Collection method: clinical testing. Allele origin: germline.
Comment: This variant is classified as likely benign based on ACMG/AMP sequence variant interpretation guidelines (Richards et al. 2015 PMID: 25741868, with internal and published modifications).

NM_006312.6(NCOR2):c.4893C>T (p.Ala1631=)

Gene: NCOR2 (nuclear receptor corepressor 2; minus strand). Cytogenetic location: 12q24.31.
Variant type: single nucleotide variant.
Coding change: c.4893C>T on transcript NM_006312.6 (MANE Select); coding-DNA position 4893, C replaced by T.
Protein change: p.Ala1631=; no amino-acid change (alanine 1631 retained).
Molecular consequence: synonymous variant.
Genome position (GRCh38, 1-based): chr12:124,343,048, G>A on the plus strand (C>T on the coding strand, the complement: NCOR2 is on the minus strand). VCF-style: chr12-124343048-G-A. GRCh37 (hg19) VCF-style: chr12-124827594-G-A.
Other names: c.4863C>T, p.Ala1621= (NM_001077261.4, NM_001206654.2).
Identifiers: ClinVar variation 3040896 (VCV003040896.2), dbSNP rs372211869, ClinGen allele CA6868157.
Genomic context (GRCh38, chr12:124,343,048, plus strand): 5'-AGCCCCAGGGCAATCACCTGCGTCCAGAGGGATGCCGCGGGGTATGGAGGTGGGGTCGAA[G>A]GCCAGGGGGATGTGGCTGCGATACAGGTCCACGCCACTCACGCCCCGAAGCAGGTGCTCA-3'
Protein context (NP_006303.4, residues 1621-1641): VDLYRSHIPL[Ala1631=]FDPTSIPRGI